The following is an entry in ClinVar:

ClinVar aggregate classification (germline): Uncertain significance (1 of 4 stars; one submission).

Submission:

Labcorp Genetics (formerly Invitae), Labcorp
Classification: Uncertain significance. Last evaluated: 2022-05-13. Review status: criteria provided, single submitter. Criteria: Invitae Variant Classification Sherloc (09022015). Collection method: clinical testing. Allele origin: germline.
Comment: This sequence change replaces methionine, which is neutral and non-polar, with threonine, which is neutral and polar, at codon 495 of the HK1 protein (p.Met495Thr). This variant is not present in population databases (gnomAD no frequency). In summary, the available evidence is currently insufficient to determine the role of this variant in disease. Therefore, it has been classified as a Variant of Uncertain Significance. Algorithms developed to predict the effect of missense changes on protein structure and function are either unavailable or do not agree on the potential impact of this missense change (SIFT: "Deleterious"; PolyPhen-2: "Probably Damaging"; Align-GVGD: "Class C0"). This variant has not been reported in the literature in individuals affected with HK1-related conditions.

NM_000188.3(HK1):c.1484T>C (p.Met495Thr)

Gene: HK1 (hexokinase 1; plus strand). Cytogenetic location: 10q22.1.
Variant type: single nucleotide variant.
Coding change: c.1484T>C on transcript NM_000188.3 (MANE Select); coding-DNA position 1484, T replaced by C.
Protein change: p.Met495Thr; replaces methionine 495 with threonine.
Molecular consequence: missense variant.
Genome position (GRCh38, 1-based): chr10:69,382,705, T>C. VCF-style: chr10-69382705-T-C. GRCh37 (hg19) VCF-style: chr10-71142461-T-C.
Other names: c.1496T>C, p.Met499Thr (NM_001322364.2, NM_001358263.1, NM_033497.3 and 1 more transcripts); c.1589T>C, p.Met530Thr (NM_001322365.2); c.1400T>C, p.Met467Thr (NM_001322366.1); c.1388T>C, p.Met463Thr (NM_001322367.1); c.1481T>C, p.Met494Thr (NM_033496.3); c.1448T>C, p.Met483Thr (NM_033500.2); short protein forms M530T, M467T, M499T, M463T, M494T, M495T, M483T.
Identifiers: ClinVar variation 1994130 (VCV001994130.4), dbSNP rs2540422922, ClinGen allele CA376910034.